The following is an entry in ClinVar:

NM_001282531.3(ADNP):c.2591A>G (p.Lys864Arg)

Gene: ADNP (activity dependent neuroprotector homeobox; minus strand). Cytogenetic location: 20q13.13.
Variant type: single nucleotide variant.
Coding change: c.2591A>G on transcript NM_001282531.3 (MANE Select); coding-DNA position 2591, A replaced by G.
Protein change: p.Lys864Arg; replaces lysine 864 with arginine.
Molecular consequence: missense variant.
Genome position (GRCh38, 1-based): chr20:50,892,123, T>C on the plus strand (A>G on the coding strand, the complement: ADNP is on the minus strand). VCF-style: chr20-50892123-T-C. GRCh37 (hg19) VCF-style: chr20-49508660-T-C.
Other names: c.2591A>G, p.Lys864Arg (NM_001282532.2, NM_001347511.2, NM_015339.5 and 1 more transcripts); short protein forms K864R.
Identifiers: ClinVar variation 3376066 (VCV003376066.1).

ClinVar aggregate classification (germline): Uncertain significance (1 of 4 stars; one submission).

Submission:

GeneDx
Classification: Uncertain significance. Last evaluated: 2024-05-02. Review status: criteria provided, single submitter. Criteria: GeneDx Variant Classification Process June 2021. Collection method: clinical testing. Allele origin: germline. Affected: yes.
Comment: Not observed at significant frequency in large population cohorts (gnomAD); In silico analysis indicates that this missense variant does not alter protein structure/function; Has not been previously published as pathogenic or benign to our knowledge